The following is an entry in ClinVar:

ClinVar aggregate classification (germline): Uncertain significance. Review status: criteria provided, multiple submitters, no conflicts (2 of 4 stars). 4 submissions from 4 submitters: Uncertain significance (4). Last evaluated 2026-05-14.

Conditions:
Cardiovascular phenotype. Identifiers: MedGen CN230736.
Distal myopathy with posterior leg and anterior hand involvement. Also called: WILLIAMS DISTAL MYOPATHY. Identifiers: Orphanet 63273, MedGen C3279722, MONDO:0013550, OMIM 614065.
Hypertrophic cardiomyopathy 26. Also called: Cardiomyopathy, familial hypertrophic, 26. Identifiers: Orphanet 75249, MedGen C4310749, MONDO:0014883, OMIM 617047.
Myofibrillar myopathy 5. Also called: Filaminopathy (type); FILAMINOPATHY, AUTOSOMAL DOMINANT. Identifiers: Orphanet 171445, MedGen C1836050, MONDO:0012289, OMIM 609524.

Allele frequency attached by ClinVar (database versions not stated): TOPMed below 0.00001; ExAC 0.00001; gnomAD 0.00001.
gnomAD v4.1: 3 of 1,613,456 alleles (0.00019%); highest among the groups gnomAD compares: Non-Finnish European, 0.00025%; no homozygotes.

Submissions (4):

Ambry Genetics
Classification: Uncertain significance for Cardiovascular phenotype. Last evaluated: 2026-05-14. Review status: criteria provided, single submitter. Criteria: Ambry Variant Classification Scheme 2023. Collection method: clinical testing. Allele origin: germline.
Comment: The p.S1552F variant (also known as c.4655C>T), located in coding exon 27 of the FLNC gene, results from a C to T substitution at nucleotide position 4655. The serine at codon 1552 is replaced by phenylalanine, an amino acid with highly dissimilar properties. This amino acid position is conserved. In addition, this alteration is predicted to be tolerated by in silico analysis. Based on the available evidence, the clinical significance of this variant remains unclear.

GeneDx
Classification: Uncertain significance. Last evaluated: 2025-05-30. Review status: criteria provided, single submitter. Criteria: GeneDx Variant Classification Process June 2021. Collection method: clinical testing. Allele origin: germline. Affected: yes.
Comment: Not observed at significant frequency in large population cohorts (gnomAD); In silico analysis supports that this missense variant has a deleterious effect on protein structure/function; Has not been previously published as pathogenic or benign to our knowledge

Labcorp Genetics (formerly Invitae), Labcorp
Classification: Uncertain significance for Distal myopathy with posterior leg and anterior hand involvement; Myofibrillar myopathy 5; Hypertrophic cardiomyopathy 26. Last evaluated: 2025-04-08. Review status: criteria provided, single submitter. Criteria: Invitae Variant Classification Sherloc (09022015). Collection method: clinical testing. Allele origin: germline.
Comment: This sequence change replaces serine, which is neutral and polar, with phenylalanine, which is neutral and non-polar, at codon 1552 of the FLNC protein (p.Ser1552Phe). This variant is present in population databases (rs766674759, gnomAD 0.0009%). This variant has not been reported in the literature in individuals affected with FLNC-related conditions. ClinVar contains an entry for this variant (Variation ID: 2689074). Invitae Evidence Modeling of protein sequence and biophysical properties (such as structural, functional, and spatial information, amino acid conservation, physicochemical variation, residue mobility, and thermodynamic stability) has been performed for this missense variant. However, the output from this modeling did not meet the statistical confidence thresholds required to predict the impact of this variant on FLNC protein function. In summary, the available evidence is currently insufficient to determine the role of this variant in disease. Therefore, it has been classified as a Variant of Uncertain Significance.

Revvity Omics, Revvity
Classification: Uncertain significance. Last evaluated: 2023-04-25. Review status: criteria provided, single submitter. Criteria: ACMG Guidelines, 2015. Collection method: clinical testing. Allele origin: germline.

NM_001458.5(FLNC):c.4655C>T (p.Ser1552Phe)

Gene: FLNC (filamin C; plus strand). Cytogenetic location: 7q32.1.
Variant type: single nucleotide variant.
Coding change: c.4655C>T on transcript NM_001458.5 (MANE Select); coding-DNA position 4655, C replaced by T.
Protein change: p.Ser1552Phe; replaces serine 1552 with phenylalanine.
Molecular consequence: missense variant.
Genome position (GRCh38, 1-based): chr7:128,848,635, C>T. VCF-style: chr7-128848635-C-T. GRCh37 (hg19) VCF-style: chr7-128488689-C-T.
Other names: c.4655C>T, p.Ser1552Phe (NM_001127487.2); short protein forms S1552F.
Identifiers: ClinVar variation 2689074 (VCV002689074.7), dbSNP rs766674759, ClinGen allele CA4475415.